The following is an entry in ClinVar:

NM_001184900.3(CARD8):c.1481_1495del (p.Thr494_Lys498del)

Gene: CARD8 (caspase recruitment domain family member 8; minus strand). Cytogenetic location: 19q13.33.
Variant type: Deletion.
Coding change: c.1481_1495del on transcript NM_001184900.3 (MANE Select); coding-DNA positions 1481 to 1495, 15 bases deleted (CACGGCAGAGCAAGA).
Protein change: p.Thr494_Lys498del.
Molecular consequence: inframe deletion. On other transcripts: 3 prime UTR variant (7), non-coding transcript variant (3), intron variant (1).
Genome position (GRCh38, 1-based): chr19:48,211,829-48,211,843, TCTTGCTCTGCCGTG deleted on the plus strand (CACGGCAGAGCAAGA on the coding strand, the reverse complement: CARD8 is on the minus strand); deleting any 15 consecutive bases within chr19:48,211,829-48,211,847 gives the same sequence; the c. name uses the placement nearest the transcript's 3' end. VCF-style (leftmost placement, unchanged base first): chr19-48211828-TTCTTGCTCTGCCGTG-T. GRCh37 (hg19) VCF-style: chr19-48715085-TTCTTGCTCTGCCGTG-T.
Other names: c.1331_1345del, p.Thr444_Lys448del (NM_001184901.1, NM_001351783.2, NM_014959.5); c.*160_*174del (NM_001184902.2, NM_001184903.1, NM_001351788.2 and 4 more transcripts); c.1481_1495del, p.Thr494_Lys498del (NM_001351782.2); c.1166_1180del, p.Thr389_Lys393del (NM_001351784.2); c.1145_1159del, p.Thr382_Lys386del (NM_001351786.2); c.1163_1177del, p.Thr388_Lys392del (NM_001365950.1); c.1033+3497_1033+3511del (NM_001351787.2).
Identifiers: ClinVar variation 4722629 (VCV004722629.1).

ClinVar aggregate classification (germline): Uncertain significance (1 of 4 stars; one submission).

Submission:

Labcorp Genetics (formerly Invitae), Labcorp
Classification: Uncertain significance. Last evaluated: 2025-07-10. Review status: criteria provided, single submitter. Criteria: Invitae Variant Classification Sherloc (09022015). Collection method: clinical testing. Allele origin: germline.
Comment: This variant, c.1331_1345del, results in the deletion of 5 amino acid(s) of the CARD8 protein (p.Thr444_Lys448del), but otherwise preserves the integrity of the reading frame. This variant is not present in population databases (gnomAD no frequency). This variant has not been reported in the literature in individuals affected with CARD8-related conditions. Experimental studies and prediction algorithms are not available or were not evaluated, and the functional significance of this variant is currently unknown. In summary, the available evidence is currently insufficient to determine the role of this variant in disease. Therefore, it has been classified as a Variant of Uncertain Significance.